The following is an entry in ClinVar:

ClinVar aggregate classification (germline): Pathogenic (1 of 4 stars; one submission).

Conditions:
Ataxia-telangiectasia syndrome (AT). Also called: LOUIS-BAR SYNDROME; Cerebello-oculocutaneous telangiectasia; Immunodeficiency with ataxia telangiectasia; Ataxia telangiectasia (A-T); Ataxia-telangiectasia, complementation group D; AT, COMPLEMENTATION GROUP C. Identifiers: Orphanet 100, MedGen C0004135, MONDO:0008840, OMIM 208900.

gnomAD v4.1: 1 of 1,612,802 alleles (0.000062%); highest among the groups gnomAD compares: Admixed American, 0.0017%; no homozygotes.

Submission:

Labcorp Genetics (formerly Invitae), Labcorp
Classification: Pathogenic for Ataxia-telangiectasia syndrome. Last evaluated: 2022-10-28. Review status: criteria provided, single submitter. Criteria: Invitae Variant Classification Sherloc (09022015). Collection method: clinical testing. Allele origin: germline.
Comment: For these reasons, this variant has been classified as Pathogenic. Studies have shown that disruption of this splice site results in skipping of exon 48, but is expected to preserve the integrity of the reading-frame (PMID: 31843900). ClinVar contains an entry for this variant (Variation ID: 1483563). Disruption of this splice site has been observed in individual(s) with ataxia-telangiectasia (PMID: 26896183). This variant is present in population databases (no rsID available, gnomAD no frequency). This sequence change affects an acceptor splice site in intron 47 of the ATM gene. RNA analysis indicates that disruption of this splice site induces altered splicing and likely results in a shortened protein product.

Literature cited by the submitters: PubMed 31843900; PubMed 26896183.

NM_000051.4(ATM):c.6976-2A>T

Genes: ATM (ATM serine/threonine kinase; plus strand), C11orf65 (chromosome 11 open reading frame 65; minus strand). Cytogenetic location: 11q22.3.
Variant type: single nucleotide variant.
Coding change: c.6976-2A>T on transcript NM_000051.4 (MANE Select); the canonical splice acceptor site of the intron before coding-DNA position 6976, A replaced by T.
Molecular consequence: splice acceptor variant. On other transcripts: intron variant (2).
Genome position (GRCh38, 1-based): chr11:108,327,643, A>T. VCF-style: chr11-108327643-A-T. GRCh37 (hg19) VCF-style: chr11-108198370-A-T.
Other names: c.6976-2A>T (NM_001351834.2); c.641-18572T>A (NM_001330368.2); c.*38+7577T>A (NM_001351110.2).
Identifiers: ClinVar variation 1483563 (VCV001483563.6), dbSNP rs587782403, ClinGen allele CA382557692.